The following is an entry in ClinVar:

NM_002539.3(ODC1):c.585-2A>G

Gene: ODC1 (ornithine decarboxylase 1; minus strand). Cytogenetic location: 2p25.1.
Variant type: single nucleotide variant.
Coding change: c.585-2A>G on transcript NM_002539.3 (MANE Select); the canonical splice acceptor site of the intron before coding-DNA position 585, A replaced by G.
Molecular consequence: splice acceptor variant.
Genome position (GRCh38, 1-based): chr2:10,443,573, T>C on the plus strand (A>G on the coding strand, the complement: ODC1 is on the minus strand). VCF-style: chr2-10443573-T-C. GRCh37 (hg19) VCF-style: chr2-10583699-T-C.
Other names: c.198-2A>G (NM_001287188.2); c.585-2A>G (NM_001287190.2, NM_001287189.2).
Identifiers: ClinVar variation 1676888 (VCV001676888.2), dbSNP rs2148069160, ClinGen allele CA345815031.

ClinVar aggregate classification (germline): Uncertain significance (1 of 4 stars; one submission).

Submission:

GeneDx
Classification: Uncertain significance. Last evaluated: 2022-04-05. Review status: criteria provided, single submitter. Criteria: GeneDx Variant Classification Process June 2021. Collection method: clinical testing. Allele origin: germline. Affected: yes.
Comment: Not observed at significant frequency in large population cohorts (gnomAD); Canonical splice site variant in a gene or region of a gene for which loss of function is not a well-established mechanism of disease; Has not been previously published as pathogenic or benign to our knowledge